The following is an entry in ClinVar:

ClinVar aggregate classification (germline): Benign. Review status: criteria provided, single submitter (1 of 4 stars). 3 submissions from 3 submitters: Benign (1). 2 of the submissions do not count toward it. Last evaluated 2019-09-17.

Submissions (3):

Women's Health and Genetics/Laboratory Corporation of America, LabCorp
Classification: Benign. Last evaluated: 2019-09-17. Review status: criteria provided, single submitter. Criteria: LabCorp Variant Classification Summary - May 2015. Collection method: clinical testing. Allele origin: germline.
Comment: Variant summary: CASQ2 c.738-9_738-5delTTTTT alters a non-conserved nucleotide located close to a canonical splice site and therefore could affect mRNA splicing, leading to a significantly altered protein sequence. 5/5 computational tools predict no significant impact on normal splicing. However, these predictions have yet to be confirmed by functional studies. The variant was absent in 179292 control chromosomes (gnomAD). However, the variant is located in a homopolymer region of 20 Ts, which is a highly polymorphic region. Therefore, suggesting the region is tolerable to changes in length of poly Ts. To our knowledge, no occurrence of c.738-9_738-5delTTTTT in individuals affected with Arrhythmia and no experimental evidence demonstrating its impact on protein function have been reported. No clinical diagnostic laboratories have submitted clinical-significance assessments for this variant to ClinVar after 2014. Based on the evidence outlined above, the variant was classified as benign.

Clinical Genetics, Academic Medical Center
Classification: Benign. Review status: no assertion criteria provided. Collection method: clinical testing. Allele origin: germline. Affected: yes. Study: VKGL Data-share Consensus. Not counted in ClinVar's aggregate classification.

Diagnostic Laboratory, Department of Genetics, University Medical Center Groningen
Classification: Benign. Review status: no assertion criteria provided. Collection method: clinical testing. Allele origin: germline. Affected: yes. Study: VKGL Data-share Consensus. Not counted in ClinVar's aggregate classification.

NM_001232.4(CASQ2):c.738-9_738-5del

Gene: CASQ2 (calsequestrin 2; minus strand). Cytogenetic location: 1p13.1.
Variant type: Deletion.
Coding change: c.738-9_738-5del on transcript NM_001232.4 (MANE Select); 9 bases into the intron before coding-DNA position 738 through 5 bases into the intron before coding-DNA position 738, 5 bases deleted (TTTTT; older notation c.738-9_738-5delTTTTT).
Molecular consequence: intron variant.
Genome position (GRCh38, 1-based): chr1:115,725,558-115,725,562, AAAAA deleted on the plus strand (TTTTT on the coding strand, the reverse complement: CASQ2 is on the minus strand); deleting any 5 consecutive bases within chr1:115,725,558-115,725,580 gives the same sequence; the c. name uses the placement nearest the transcript's 3' end. VCF-style (leftmost placement, unchanged base first): chr1-115725557-GAAAAA-G. GRCh37 (hg19) VCF-style: chr1-116268178-GAAAAA-G.
Identifiers: ClinVar variation 928920 (VCV000928920.4), dbSNP rs56889721, ClinGen allele CA1023775.